The following is an entry in ClinVar:

ClinVar aggregate classification (germline): Uncertain significance (1 of 4 stars; one submission).

Conditions:
Tuberous sclerosis 2 (TSC2). Identifiers: Orphanet 805, MedGen C1860707, MONDO:0013199, OMIM 613254.

Submission:

Labcorp Genetics (formerly Invitae), Labcorp
Classification: Uncertain significance for Tuberous sclerosis 2. Last evaluated: 2025-05-27. Review status: criteria provided, single submitter. Criteria: Invitae Variant Classification Sherloc (09022015). Collection method: clinical testing. Allele origin: germline.
Comment: This sequence change replaces alanine, which is neutral and non-polar, with threonine, which is neutral and polar, at codon 1742 of the TSC2 protein (p.Ala1742Thr). This variant is not present in population databases (gnomAD no frequency). This variant has not been reported in the literature in individuals affected with TSC2-related conditions. Invitae Evidence Modeling of protein sequence and biophysical properties (such as structural, functional, and spatial information, amino acid conservation, physicochemical variation, residue mobility, and thermodynamic stability) indicates that this missense variant is not expected to disrupt TSC2 protein function with a negative predictive value of 95%. In summary, the available evidence is currently insufficient to determine the role of this variant in disease. Therefore, it has been classified as a Variant of Uncertain Significance.

NM_000548.5(TSC2):c.5224G>A (p.Ala1742Thr)

Gene: TSC2 (TSC complex subunit 2; plus strand). Cytogenetic location: 16p13.3.
Variant type: single nucleotide variant.
Coding change: c.5224G>A on transcript NM_000548.5 (MANE Select); coding-DNA position 5224, G replaced by A.
Protein change: p.Ala1742Thr; replaces alanine 1742 with threonine.
Molecular consequence: missense variant. On other transcripts: non-coding transcript variant (5).
Genome position (GRCh38, 1-based): chr16:2,088,290, G>A. VCF-style: chr16-2088290-G-A. GRCh37 (hg19) VCF-style: chr16-2138291-G-A.
Other names: c.3679G>A, p.Ala1227Thr (NM_001406696.1, NM_001406697.1, NM_001406695.1); c.3421G>A, p.Ala1141Thr (NM_001406698.1); c.5095G>A, p.Ala1699Thr (NM_021055.3); c.5023G>A, p.Ala1675Thr (NM_001077183.3); c.5155G>A, p.Ala1719Thr (NM_001114382.3); c.4915G>A, p.Ala1639Thr (NM_001318827.2); c.4879G>A, p.Ala1627Thr (NM_001318829.2); c.4492G>A, p.Ala1498Thr (NM_001318831.2); and 27 more; short protein forms A1227T, A1228T, A1251T, A1475T, A1476T, A1518T, A1627T, A1669T.
Identifiers: ClinVar variation 4780476 (VCV004780476.1).